The following is an entry in ClinVar:

ClinVar aggregate classification (germline): Benign/Likely benign. Review status: criteria provided, multiple submitters, no conflicts (2 of 4 stars). 7 submissions from 7 submitters: Benign (1); Likely benign (5). 1 of the submissions does not count toward it. Last evaluated 2026-02-01.

Conditions:
Cardiomyopathy (CMYO). Also called: Cardiomyopathies. Identifiers: Orphanet 167848, MedGen C0878544, MONDO:0004994, HP:0001638. Inheritance: Various modes of inheritance.
Becker muscular dystrophy (BMD). Also called: MUSCULAR DYSTROPHY, PSEUDOHYPERTROPHIC PROGRESSIVE, BECKER TYPE; Becker Muscular Dystrophy (BMD). Identifiers: Orphanet 98895, MedGen C0917713, MONDO:0010311, OMIM 300376.
Duchenne muscular dystrophy (DMD). Also called: Duchenne Muscular Dystrophy (DMD); MUSCULAR DYSTROPHY, PSEUDOHYPERTROPHIC PROGRESSIVE, DUCHENNE TYPE. Identifiers: Orphanet 98896, MedGen C0013264, MONDO:0010679, OMIM 310200.
Dystrophin deficiency.
Cardiovascular phenotype. Identifiers: MedGen CN230736.

Allele frequency attached by ClinVar (database versions not stated): 1000 Genomes Project 30x 0.00021; 1000 Genomes Project 0.00026; gnomAD 0.00005 and 0.00006; TOPMed 0.00005; ExAC 0.00007; gnomAD exomes 0.00007.
gnomAD v4.1: 81 of 1,197,855 alleles (0.0068%); highest among the groups gnomAD compares: Middle Eastern, 0.3%; no homozygotes.

Submissions (7):

Labcorp Genetics (formerly Invitae), Labcorp
Classification: Benign for Duchenne muscular dystrophy. Last evaluated: 2026-02-01. Review status: criteria provided, single submitter. Criteria: Invitae Variant Classification Sherloc (09022015). Collection method: clinical testing. Allele origin: germline.

Blueprint Genetics
Classification: Likely benign. Last evaluated: 2024-10-29. Review status: criteria provided, single submitter. Criteria: ACMG Guidelines, 2015. Collection method: clinical testing. Allele origin: germline.

CeGaT Center for Human Genetics Tuebingen
Classification: Likely benign. Last evaluated: 2022-06-01. Review status: criteria provided, single submitter. Criteria: CeGaT Center For Human Genetics Tuebingen Variant Classification Criteria Version 2. Collection method: clinical testing. Allele origin: germline. Affected: yes. Observed: 2 variant alleles.
Comment: DMD: BP4, BP7

Ambry Genetics
Classification: Likely benign for Cardiovascular phenotype. Last evaluated: 2019-02-27. Review status: criteria provided, single submitter. Criteria: Ambry Variant Classification Scheme 2023. Collection method: clinical testing. Allele origin: germline.

GeneDx
Classification: Likely benign. Last evaluated: 2016-10-07. Review status: criteria provided, single submitter. Criteria: GeneDx Variant Classification (06012015). Collection method: clinical testing. Allele origin: germline. Affected: yes.
Comment: This variant is considered likely benign or benign based on one or more of the following criteria: it is a conservative change, it occurs at a poorly conserved position in the protein, it is predicted to be benign by multiple in silico algorithms, and/or has population frequency not consistent with disease.

PreventionGenetics, part of Exact Sciences
Classification: Likely benign. Review status: criteria provided, single submitter. Criteria: ACMG Guidelines, 2015. Collection method: clinical testing. Allele origin: germline.

Natera, Inc.
Classification: Likely benign for Becker muscular dystrophy; Cardiomyopathy; Duchenne muscular dystrophy; Dystrophin deficiency. Last evaluated: 2018-08-21. Review status: no assertion criteria provided. Collection method: clinical testing. Allele origin: germline. Not counted in ClinVar's aggregate classification.

NM_004006.3(DMD):c.6132T>C (p.Ser2044=)

Gene: DMD (dystrophin; minus strand). Cytogenetic location: Xp21.1.
Variant type: single nucleotide variant.
Coding change: c.6132T>C on transcript NM_004006.3 (MANE Select); coding-DNA position 6132, T replaced by C.
Protein change: p.Ser2044=; no amino-acid change (serine 2044 retained).
Molecular consequence: synonymous variant.
Genome position (GRCh38, 1-based): chrX:32,287,687, A>G on the plus strand (T>C on the coding strand, the complement: DMD is on the minus strand). VCF-style: chrX-32287687-A-G. GRCh37 (hg19) VCF-style: chrX-32305804-A-G.
Other names: c.6108T>C, p.Ser2036= (NM_000109.4); c.6120T>C, p.Ser2040= (NM_004009.3); c.5763T>C, p.Ser1921= (NM_004010.3); c.2109T>C, p.Ser703= (NM_004011.4); c.2100T>C, p.Ser700= (NM_004012.4).
Identifiers: ClinVar variation 259216 (VCV000259216.57), dbSNP rs761338933, ClinGen allele CA10378526.
Genomic context (GRCh38, chrX:32,287,687, plus strand): 5'-TTGCAATGCTGCTGTCTTCTTGCTATGAATAATGTCAATCCGACCTGAGCTTTGTTGTAG[A>G]CTATCTTTTATATTCTGTAATATAAAAATTTTAAAACAGTAAAAAAATGAATTAGCTGTC-3'
Protein context (NP_003997.2, residues 2034-2054): QEESLKNIKD[Ser2044=]LQQSSGRIDI